The following is an entry in ClinVar:

ClinVar aggregate classification (germline): Likely benign (1 of 4 stars; one submission).

Allele frequency attached by ClinVar (database versions not stated): 1000 Genomes Project 30x 0.00281; 1000 Genomes Project 0.00300.
gnomAD v4.1: 479 of 152,290 alleles (0.31%); highest among the groups gnomAD compares: East Asian, 0.44%; 3 homozygotes.

Submission:

GeneDx
Classification: Likely benign. Last evaluated: 2021-11-20. Review status: criteria provided, single submitter. Criteria: GeneDx Variant Classification Process June 2021. Collection method: clinical testing. Allele origin: germline. Affected: yes.
Comment: See Variant Classification Assertion Criteria.

NM_001130987.2(DYSF):c.5785-969C>T

Genes: DYSF (dysferlin; plus strand), LOC110121121 (VISTA enhancer hs1479; plus strand). Cytogenetic location: 2p13.2.
Variant type: single nucleotide variant.
Coding change: c.5785-969C>T on transcript NM_001130987.2 (MANE Select); 969 bases into the intron before coding-DNA position 5785, C replaced by T.
Molecular consequence: intron variant.
Genome position (GRCh38, 1-based): chr2:71,673,228, C>T. VCF-style: chr2-71673228-C-T. GRCh37 (hg19) VCF-style: chr2-71900358-C-T.
Other names: c.5761-969C>T (NM_001130979.2); c.5782-969C>T (NM_001130981.2); c.5719-969C>T (NM_001130980.2); c.5731-969C>T (NM_001130978.2); c.5668-969C>T (NM_003494.4); c.5689-969C>T (NM_001130977.2); c.5626-969C>T (NM_001130976.2); c.5764-969C>T (NM_001130982.2); and 5 more.
Identifiers: ClinVar variation 1707937 (VCV001707937.2), dbSNP rs139681607, ClinGen allele CA49771005.